The following is an entry in ClinVar:

NM_001195263.2(PDZD7):c.672C>T (p.Phe224=)

Gene: PDZD7 (PDZ domain containing 7; minus strand). Cytogenetic location: 10q24.31.
Variant type: single nucleotide variant.
Coding change: c.672C>T on transcript NM_001195263.2 (MANE Select); coding-DNA position 672, C replaced by T.
Protein change: p.Phe224=; no amino-acid change (phenylalanine 224 retained).
Molecular consequence: synonymous variant.
Genome position (GRCh38, 1-based): chr10:101,022,256, G>A on the plus strand (C>T on the coding strand, the complement: PDZD7 is on the minus strand). VCF-style: chr10-101022256-G-A. GRCh37 (hg19) VCF-style: chr10-102782013-G-A.
Other names: c.672C>T, p.Phe224= (NM_001351044.2, NM_024895.5); c.672C>T (NM_001195263.1).
Identifiers: ClinVar variation 1124759 (VCV001124759.10), dbSNP rs1206504105, ClinGen allele CA471188018.
Genomic context (GRCh38, chr10:101,022,256, plus strand): 5'-CCTCAGCCCTCACTTGGACACATAGATGCCCAGGCCAAACTCCTTGCCCCCACGGATGTT[G>A]AAGCCCAGGCAGAAGTCGTCGGAGGTTGTGTATAGGTGGACGATGCGCCGGACACCATCT-3'
Protein context (NP_001182192.1, residues 214-234): YTTSDDFCLG[Phe224=]NIRGGKEFGL

ClinVar aggregate classification (germline): Conflicting classifications of pathogenicity. Review status: criteria provided, conflicting classifications (1 of 4 stars). 2 submissions from 2 submitters: Uncertain significance (1); Likely benign (1). Last evaluated 2025-11-28.

Allele frequency attached by ClinVar (database versions not stated): gnomAD exomes below 0.00001.
gnomAD v4.1: 6 of 1,614,230 alleles (0.00037%); highest among the groups gnomAD compares: Admixed American, 0.0033%; no homozygotes.

Submissions (2):

Labcorp Genetics (formerly Invitae), Labcorp
Classification: Likely benign. Last evaluated: 2025-11-28. Review status: criteria provided, single submitter. Criteria: Invitae Variant Classification Sherloc (09022015). Collection method: clinical testing. Allele origin: germline.

GeneDx
Classification: Uncertain significance. Last evaluated: 2025-02-11. Review status: criteria provided, single submitter. Criteria: GeneDx Variant Classification Process June 2021. Collection method: clinical testing. Allele origin: germline. Affected: yes.
Comment: Not observed at significant frequency in large population cohorts (gnomAD); In silico analysis indicates that this variant does not alter splicing; Has not been previously published as pathogenic or benign to our knowledge